The following is an entry in ClinVar:

ClinVar aggregate classification (germline): Uncertain significance (1 of 4 stars; one submission).

Submission:

CeGaT Center for Human Genetics Tuebingen
Classification: Uncertain significance. Last evaluated: 2022-11-01. Review status: criteria provided, single submitter. Criteria: CeGaT Center For Human Genetics Tuebingen Variant Classification Criteria Version 2. Collection method: clinical testing. Allele origin: germline. Affected: yes. Observed: 1 variant allele.
Comment: CACNA1A: PM2, PP2

NM_001127222.2(CACNA1A):c.980G>C (p.Ser327Thr)

Genes: CACNA1A (calcium voltage-gated channel subunit alpha1 A; minus strand), LOC126862866 (MED14-independent group 3 enhancer GRCh37_chr19:13445719-13446918; plus strand). Cytogenetic location: 19p13.13.
Variant type: single nucleotide variant.
Coding change: c.980G>C on transcript NM_001127222.2 (MANE Select); coding-DNA position 980, G replaced by C.
Protein change: p.Ser327Thr; replaces serine 327 with threonine.
Molecular consequence: missense variant.
Genome position (GRCh38, 1-based): chr19:13,335,908, C>G on the plus strand (G>C on the coding strand, the complement: CACNA1A is on the minus strand). VCF-style: chr19-13335908-C-G. GRCh37 (hg19) VCF-style: chr19-13446722-C-G.
Other names: c.980G>C, p.Ser327Thr (NM_000068.4, NM_001127221.2, NM_001174080.2 and 1 more transcripts); short protein forms S327T.
Identifiers: ClinVar variation 1879424 (VCV001879424.29), dbSNP rs2513056191, ClinGen allele CA404346891.